The following is an entry in ClinVar:

NM_000179.3(MSH6):c.2419G>C (p.Glu807Gln)

Gene: MSH6 (mutS homolog 6; plus strand). Cytogenetic location: 2p16.3.
Variant type: single nucleotide variant.
Coding change: c.2419G>C on transcript NM_000179.3 (MANE Select); coding-DNA position 2419, G replaced by C.
Protein change: p.Glu807Gln; replaces glutamic acid 807 with glutamine.
Molecular consequence: missense variant.
Genome position (GRCh38, 1-based): chr2:47,800,402, G>C. VCF-style: chr2-47800402-G-C. GRCh37 (hg19) VCF-style: chr2-48027541-G-C.
Other names: c.2029G>C, p.Glu677Gln (NM_001281492.2); c.1513G>C, p.Glu505Gln (NM_001281493.2, NM_001281494.2, NM_001406811.1 and 6 more transcripts); c.2515G>C, p.Glu839Gln (NM_001406795.1, NM_001406802.1); c.2419G>C, p.Glu807Gln (NM_001406796.1, NM_001406798.1, NM_001406800.1 and 2 more transcripts); c.2122G>C, p.Glu708Gln (NM_001406797.1, NM_001406801.1, NM_001406805.1 and 10 more transcripts); c.1894G>C, p.Glu632Gln (NM_001406799.1, NM_001406806.1, NM_001406807.1); c.2341G>C, p.Glu781Gln (NM_001406804.1); c.2425G>C, p.Glu809Gln (NM_001406813.1); and 1 more; short protein forms E505Q, E632Q, E677Q, E708Q, E807Q, E809Q, E751Q, E781Q.
Identifiers: ClinVar variation 1790981 (VCV001790981.6), dbSNP rs587779923, ClinGen allele CA069001.

ClinVar aggregate classification (germline): Conflicting classifications of pathogenicity. Review status: criteria provided, conflicting classifications (1 of 4 stars). 3 submissions from 3 submitters: Uncertain significance (2); Likely benign (1). Last evaluated 2025-02-17.

Conditions:
Hereditary nonpolyposis colorectal neoplasms. Identifiers: MedGen C0009405, MeSH D003123.
Hereditary cancer-predisposing syndrome. Also called: Hereditary Cancer Syndrome; Hereditary neoplastic syndrome; Tumor predisposition; Neoplastic Syndromes, Hereditary. Identifiers: Orphanet 140162, MedGen C0027672, MeSH D009386, MONDO:0015356.
Endometrial carcinoma. Also called: Endometrial carcinoma, somatic. Identifiers: MedGen C0476089, MONDO:0002447, OMIM 608089, HP:0012114.

gnomAD v4.1: 1 of 1,614,014 alleles (0.000062%); highest among the groups gnomAD compares: Non-Finnish European, 0.000085%; no homozygotes.

Submissions (3):

Labcorp Genetics (formerly Invitae), Labcorp
Classification: Likely benign for Hereditary nonpolyposis colorectal neoplasms. Last evaluated: 2025-02-17. Review status: criteria provided, single submitter. Criteria: Invitae Variant Classification Sherloc (09022015). Collection method: clinical testing. Allele origin: germline.

Baylor Genetics
Classification: Uncertain significance for Endometrial carcinoma. Last evaluated: 2024-03-27. Review status: criteria provided, single submitter. Criteria: ACMG Guidelines, 2015. Collection method: clinical testing. Allele origin: unknown.

Ambry Genetics
Classification: Uncertain significance for Hereditary cancer-predisposing syndrome. Last evaluated: 2022-07-19. Review status: criteria provided, single submitter. Criteria: Ambry Variant Classification Scheme 2023. Collection method: clinical testing. Allele origin: germline.
Comment: The p.E807Q variant (also known as c.2419G>C), located in coding exon 4 of the MSH6 gene, results from a G to C substitution at nucleotide position 2419. The glutamic acid at codon 807 is replaced by glutamine, an amino acid with highly similar properties. This amino acid position is well conserved in available vertebrate species. In addition, the in silico prediction for this alteration is inconclusive. Since supporting evidence is limited at this time, the clinical significance of this alteration remains unclear.